The following is an entry in ClinVar:

ClinVar aggregate classification (germline): Uncertain significance. Review status: criteria provided, multiple submitters, no conflicts (2 of 4 stars). 2 submissions from 2 submitters: Uncertain significance (2). Last evaluated 2023-10-13.

Conditions:
Congenital myasthenic syndrome 8. Also called: MYASTHENIC SYNDROME, CONGENITAL, DUE TO AGRIN DEFICIENCY; Myasthenic syndrome, congenital, 8, with pre- and postsynaptic defects. Identifiers: Orphanet 590, MedGen C3808739, MONDO:0014052, OMIM 615120.
Inborn genetic diseases. Identifiers: MedGen C0950123, MeSH D030342.

Allele frequency attached by ClinVar (database versions not stated): gnomAD 0.00002 and 0.00003; TOPMed 0.00005; gnomAD exomes 0.00006; ExAC 0.00012; ESP Exome Variant Server 0.00015.
gnomAD v4.1: 38 of 1,611,644 alleles (0.0024%); highest among the groups gnomAD compares: East Asian, 0.0045%; no homozygotes.

Submissions (2):

Labcorp Genetics (formerly Invitae), Labcorp
Classification: Uncertain significance for Congenital myasthenic syndrome 8. Last evaluated: 2023-10-13. Review status: criteria provided, single submitter. Criteria: Invitae Variant Classification Sherloc (09022015). Collection method: clinical testing. Allele origin: germline.
Comment: This sequence change replaces valine, which is neutral and non-polar, with methionine, which is neutral and non-polar, at codon 784 of the AGRN protein (p.Val784Met). This variant is present in population databases (rs139778596, gnomAD 0.01%). This variant has not been reported in the literature in individuals affected with AGRN-related conditions. ClinVar contains an entry for this variant (Variation ID: 835583). An algorithm developed to predict the effect of missense changes on protein structure and function (PolyPhen-2) suggests that this variant is likely to be disruptive. In summary, the available evidence is currently insufficient to determine the role of this variant in disease. Therefore, it has been classified as a Variant of Uncertain Significance.

Ambry Genetics
Classification: Uncertain significance for Inborn genetic diseases. Last evaluated: 2023-03-20. Review status: criteria provided, single submitter. Criteria: Ambry Variant Classification Scheme 2023. Collection method: clinical testing. Allele origin: germline.

NM_198576.4(AGRN):c.2350G>A (p.Val784Met)

Gene: AGRN (agrin; plus strand). Cytogenetic location: 1p36.33.
Variant type: single nucleotide variant.
Coding change: c.2350G>A on transcript NM_198576.4 (MANE Select); coding-DNA position 2350, G replaced by A.
Protein change: p.Val784Met; replaces valine 784 with methionine.
Molecular consequence: missense variant.
Genome position (GRCh38, 1-based): chr1:1,045,256, G>A. VCF-style: chr1-1045256-G-A. GRCh37 (hg19) VCF-style: chr1-980636-G-A.
Other names: c.2350G>A, p.Val784Met (NM_001305275.2); c.2035G>A, p.Val679Met (NM_001364727.2); short protein forms V784M, V679M.
Identifiers: ClinVar variation 835583 (VCV000835583.11), dbSNP rs139778596, ClinGen allele CA508584.